The following is an entry in ClinVar:

NM_020779.4(WDR35):c.2638dup (p.Thr880fs)

Gene: WDR35 (WD repeat domain 35; minus strand). Cytogenetic location: 2p24.1.
Variant type: Duplication.
Coding change: c.2638dup on transcript NM_020779.4 (MANE Select); coding-DNA position 2638, one base duplicated (A; older notation c.2638dupA).
Protein change: p.Thr880fs; shifts the reading frame from threonine 880.
Molecular consequence: frameshift variant.
Genome position (GRCh38, 1-based): chr2:19,933,421, T duplicated on the plus strand (A on the coding strand, the reverse complement: WDR35 is on the minus strand). VCF-style (leftmost placement, unchanged base first): chr2-19933420-G-GT. GRCh37 (hg19) VCF-style: chr2-20133181-G-GT.
Other names: c.2671dup, p.Thr891fs (NM_001006657.2); short protein forms T880fs, T891fs.
Identifiers: ClinVar variation 1072199 (VCV001072199.8), dbSNP rs2103399754, ClinGen allele CA2499215560.

ClinVar aggregate classification (germline): Pathogenic/Likely pathogenic. Review status: criteria provided, multiple submitters, no conflicts (2 of 4 stars). 2 submissions from 2 submitters: Pathogenic (1); Likely pathogenic (1). Last evaluated 2025-10-22.

Conditions:
WDR35-related disorder. Also called: WDR35-related disorders; WDR35-related condition. Identifiers: MedGen CN239419.
Short-rib thoracic dysplasia 7 with or without polydactyly (SRTD7). Also called: SHORT-RIB THORACIC DYSPLASIA 7 WITH POLYDACTYLY; Short rib polydactyly syndrome 5. Identifiers: Orphanet 498497, Orphanet 93271, MedGen C3279792, MONDO:0013569, OMIM 614091.
Cranioectodermal dysplasia 2 (CED2). Identifiers: Orphanet 1515, MedGen C3150874, MONDO:0013323, OMIM 613610.

Submissions (2):

Greenwood Genetic Center Diagnostic Laboratories, Greenwood Genetic Center
Classification: Likely pathogenic for WDR35-related disorder. Last evaluated: 2025-10-22. Review status: criteria provided, single submitter. Criteria: ACMG Guidelines, 2015. Collection method: clinical testing. Allele origin: germline. Affected: yes.
Comment: PVS1, PM2

Labcorp Genetics (formerly Invitae), Labcorp
Classification: Pathogenic for Cranioectodermal dysplasia 2; Short-rib thoracic dysplasia 7 with or without polydactyly. Last evaluated: 2022-02-04. Review status: criteria provided, single submitter. Criteria: Invitae Variant Classification Sherloc (09022015). Collection method: clinical testing. Allele origin: germline.
Comment: This variant is not present in population databases (gnomAD no frequency). For these reasons, this variant has been classified as Pathogenic. ClinVar contains an entry for this variant (Variation ID: 1072199). This variant has not been reported in the literature in individuals affected with WDR35-related conditions. This sequence change creates a premature translational stop signal (p.Thr891Asnfs*13) in the WDR35 gene. It is expected to result in an absent or disrupted protein product. Loss-of-function variants in WDR35 are known to be pathogenic (PMID: 22486404, 29068549).

Literature cited by the submitters: PubMed 22486404 (cited by Labcorp Genetics (formerly Invitae), Labcorp); PubMed 29068549 (cited by Labcorp Genetics (formerly Invitae), Labcorp).